The following is an entry in ClinVar:

NM_000048.4(ASL):c.1102A>G (p.Met368Val)

Gene: ASL (argininosuccinate lyase; plus strand). Cytogenetic location: 7q11.21.
Variant type: single nucleotide variant.
Coding change: c.1102A>G on transcript NM_000048.4 (MANE Select); coding-DNA position 1102, A replaced by G.
Protein change: p.Met368Val; replaces methionine 368 with valine.
Molecular consequence: missense variant.
Genome position (GRCh38, 1-based): chr7:66,092,045, A>G. VCF-style: chr7-66092045-A-G. GRCh37 (hg19) VCF-style: chr7-65557032-A-G.
Other names: c.1102A>G (NM_000048.3); c.1102A>G, p.Met368Val (NM_001024943.2); c.1042A>G, p.Met348Val (NM_001024944.2); c.1024A>G, p.Met342Val (NM_001024946.2); short protein forms M368V, M342V, M348V.
Identifiers: ClinVar variation 557440 (VCV000557440.4), dbSNP rs1554328202, ClinGen allele CA367650345.

ClinVar aggregate classification (germline): Uncertain significance. Review status: criteria provided, single submitter (1 of 4 stars). 3 submissions from 3 submitters: Uncertain significance (1). 2 of the submissions do not count toward it. Last evaluated 2025-05-22.

Conditions:
Argininosuccinate lyase deficiency. Also called: ARGININOSUCCINIC ACID LYASE DEFICIENCY; ASL DEFICIENCY; Argininosuccinic aciduria. Identifiers: Orphanet 23, MedGen C0268547, MONDO:0008815, OMIM 207900, HP:0025630.

gnomAD v4.1: 3 of 1,613,540 alleles (0.00019%); highest among the groups gnomAD compares: Non-Finnish European, 0.00025%; no homozygotes.

Submissions (3):

Women's Health and Genetics/Laboratory Corporation of America, LabCorp
Classification: Uncertain significance. Last evaluated: 2025-05-22. Review status: criteria provided, single submitter. Criteria: LabCorp Variant Classification Summary - May 2015. Collection method: clinical testing. Allele origin: germline.
Comment: Variant summary: ASL c.1102A>G (p.Met368Val) results in a conservative amino acid change in the encoded protein sequence. Algorithms developed to predict the effect of missense changes on protein structure and function are either unavailable or do not agree on the potential impact of this missense change. The variant was absent in 250722 control chromosomes. The available data on variant occurrences in the general population are insufficient to allow any conclusion about variant significance. c.1102A>G has been observed in one individual affected with Argininosuccinic Aciduria (example, Balmer_2014). These data do not allow any conclusion about variant significance. To our knowledge, no experimental evidence demonstrating an impact on protein function has been reported. The following publication has been ascertained in the context of this evaluation (PMID: 24166829). ClinVar contains an entry for this variant (Variation ID: 557440). Based on the evidence outlined above, the variant was classified as uncertain significance.

Natera, Inc.
Classification: Likely pathogenic for Argininosuccinate lyase deficiency. Last evaluated: 2025-04-10. Review status: no assertion criteria provided. Collection method: clinical testing. Allele origin: germline. Not counted in ClinVar's aggregate classification.

Counsyl
Classification: Uncertain significance for Argininosuccinate lyase deficiency. Last evaluated: 2018-03-30. Review status: no assertion criteria provided. Collection method: clinical testing. Allele origin: unknown. Not counted in ClinVar's aggregate classification.

Literature cited by the submitters: PubMed 24166829 (cited by Women's Health and Genetics/Laboratory Corporation of America, LabCorp and Counsyl).